The following is an entry in ClinVar:

NM_007294.4(BRCA1):c.5152T>C (p.Trp1718Arg)

Gene: BRCA1 (BRCA1 DNA repair associated; minus strand). Cytogenetic location: 17q21.31.
Variant type: single nucleotide variant.
Coding change: c.5152T>C on transcript NM_007294.4 (MANE Select); coding-DNA position 5152, T replaced by C.
Protein change: p.Trp1718Arg; replaces tryptophan 1718 with arginine.
Molecular consequence: missense variant. On other transcripts: non-coding transcript variant (1).
Genome position (GRCh38, 1-based): chr17:43,063,874, A>G on the plus strand (T>C on the coding strand, the complement: BRCA1 is on the minus strand). VCF-style: chr17-43063874-A-G. GRCh37 (hg19) VCF-style: chr17-41215891-A-G.
Other names: c.4939T>C, p.Trp1647Arg (NM_001407571.1, NM_001407904.1, NM_001407906.1 and 12 more transcripts); c.5218T>C, p.Trp1740Arg (NM_001407581.1, NM_001407582.1); c.5215T>C, p.Trp1739Arg (NM_001407583.1, NM_001407585.1, NM_001407587.1 and 1 more transcripts); c.5149T>C, p.Trp1717Arg (NM_001407610.1, NM_001407611.1, NM_001407612.1 and 17 more transcripts); c.5146T>C, p.Trp1716Arg (NM_001407629.1, NM_001407630.1, NM_001407631.1 and 14 more transcripts); c.5092T>C, p.Trp1698Arg (NM_001407649.1); c.5074T>C, p.Trp1692Arg (NM_001407653.1, NM_001407654.1, NM_001407655.1); c.5071T>C, p.Trp1691Arg (NM_001407656.1, NM_001407657.1, NM_001407658.1); and 71 more; short protein forms W1671R, W1739R, W614R, W1718R, W1422R, W1564R, W1590R, W1647R.
Identifiers: ClinVar variation 865030 (VCV000865030.6), dbSNP rs1567769155, ClinGen allele CA10591242.
Genomic context (GRCh38, chr17:43,063,874, plus strand): 5'-GTGTAAAAATGCAATTCTGAGGTGTTAAAGGGAGGAGGGGAGAAATAGTATTATACTTAC[A>G]GAAATAGCTAACTACCCATTTTCCTCCCGCAATTCCTAGAAAATATTTCAGTGTCCGTTC-3'
Protein context (NP_009225.1, residues 1708-1728): AGGKWVVSYF[Trp1718Arg]VTQSIKERKM

ClinVar aggregate classification (germline): Uncertain significance (1 of 4 stars; one submission).

Conditions:
Hereditary cancer-predisposing syndrome. Also called: Tumor predisposition; Hereditary Cancer Syndrome; Hereditary neoplastic syndrome; Neoplastic Syndromes, Hereditary. Identifiers: Orphanet 140162, MedGen C0027672, MeSH D009386, MONDO:0015356.

Submissions (2):

Color Diagnostics, LLC DBA Color Health
Classification: Uncertain significance for Hereditary cancer-predisposing syndrome. Last evaluated: 2019-10-11. Review status: criteria provided, single submitter. Criteria: ACMG Guidelines, 2015. Collection method: clinical testing. Allele origin: germline.
Comment: This missense variant replaces tryptophan with arginine at codon 1718 of the BRCA1 protein. Computational prediction suggests that this variant may have deleterious impact on protein structure and function (internally defined REVEL score threshold >= 0.7, PMID: 27666373). Splice site prediction tools suggest that this variant may not impact RNA splicing. To our knowledge, functional studies have not been performed for this variant. This variant has not been reported in individuals affected with hereditary cancer in the literature. This variant has not been identified in the general population by the Genome Aggregation Database (gnomAD). The available evidence is insufficient to determine the role of this variant in disease conclusively. Therefore, this variant is classified as a Variant of Uncertain Significance.

Brotman Baty Institute, University of Washington
No classification provided (evidence only). Condition: Breast-ovarian cancer, familial 1. Review status: no classification provided. Collection method: in vitro. Allele origin: not applicable. Functional consequence: functionally_abnormal. Not counted in ClinVar's aggregate classification.
ClinVar note: "not provided" was previously submitted as the classification for the variant. However, the classification appeared to be based only on an observation of functional data so it was converted to no classification on 2025-07-30.